The following is an entry in ClinVar:

ClinVar aggregate classification (germline): Likely benign (0 of 4 stars; one submission).

Conditions:
UBR4-related disorder. Also called: UBR4-related condition.

Allele frequency attached by ClinVar (database versions not stated): gnomAD 0.00001; ExAC 0.00002; 1000 Genomes Project 30x 0.00031.
gnomAD v4.1: 19 of 1,613,780 alleles (0.0012%); highest among the groups gnomAD compares: South Asian, 0.013%; no homozygotes.

Submission:

PreventionGenetics, part of Exact Sciences
Classification: Likely benign for UBR4-related condition. Last evaluated: 2019-08-06. Review status: no assertion criteria provided. Collection method: clinical testing. Allele origin: germline.
Comment: This variant is classified as likely benign based on ACMG/AMP sequence variant interpretation guidelines (Richards et al. 2015 PMID: 25741868, with internal and published modifications).

NM_020765.3(UBR4):c.14973G>A (p.Pro4991=)

Gene: UBR4 (ubiquitin protein ligase E3 component n-recognin 4; minus strand). Cytogenetic location: 1p36.13.
Variant type: single nucleotide variant.
Coding change: c.14973G>A on transcript NM_020765.3 (MANE Select); coding-DNA position 14973, G replaced by A.
Protein change: p.Pro4991=; no amino-acid change (proline 4991 retained).
Molecular consequence: synonymous variant.
Genome position (GRCh38, 1-based): chr1:19,084,539, C>T on the plus strand (G>A on the coding strand, the complement: UBR4 is on the minus strand). VCF-style: chr1-19084539-C-T. GRCh37 (hg19) VCF-style: chr1-19411033-C-T.
Identifiers: ClinVar variation 3035836 (VCV003035836.2), dbSNP rs185411354, ClinGen allele CA648078.